The following is an entry in ClinVar:

ClinVar aggregate classification (germline): Pathogenic. Review status: criteria provided, multiple submitters, no conflicts (2 of 4 stars). 2 submissions from 2 submitters: Pathogenic (2). Last evaluated 2025-04-24.

Conditions:
Autosomal recessive limb-girdle muscular dystrophy. Identifiers: Orphanet 102015, MedGen C2931907, MONDO:0015152.

Submissions (2):

Myriad Genetics, Inc.
Classification: Pathogenic for Autosomal recessive limb-girdle muscular dystrophy. Last evaluated: 2025-04-24. Review status: criteria provided, single submitter. Criteria: Myriad Autosomal Dominant, Autosomal Recessive and X-Linked Classification Criteria (2023). Collection method: clinical testing. Allele origin: unknown.
Comment: NM_003494.3(DYSF):c.2352_2355+1del5 is a variant in a canonical splice site classified as likely pathogenic in the context of dysferlinopathy. c.2352_2355+1del5 has been observed in a case with relevant disease (PMID: 33610434, 27602406). Relevant functional assessments of this variant are not available in the literature. c.2352_2355+1del5 has not been observed in referenced population frequency databases. In summary, NM_003494.3(DYSF):c.2352_2355+1del5 is a variant in a canonical splice site in a gene where loss of function is a known mechanism of disease, is predicted to disrupt protein function, and has been observed more frequently in cases with the relevant disease than in healthy populations. Please note: this variant was assessed in the context of healthy population screening.

Eurofins Ntd Llc (ga)
Classification: Pathogenic. Last evaluated: 2013-10-08. Review status: criteria provided, single submitter. Criteria: EGL Classification Definitions 2015. Collection method: clinical testing. Allele origin: germline. Observed: 1 variant allele, 1 heterozygote.

Literature cited by the submitters: PubMed 27602406 (cited by Myriad Genetics, Inc.); PubMed 33610434 (cited by Myriad Genetics, Inc.).

NM_001130987.2(DYSF):c.2406_2409+1del

Gene: DYSF (dysferlin; plus strand). Cytogenetic location: 2p13.2.
Variant type: Deletion.
Coding change: c.2406_2409+1del on transcript NM_001130987.2 (MANE Select); coding-DNA position 2406 through the canonical splice donor site of the intron after coding-DNA position 2409, 5 bases deleted (GGAGG; older notation c.2406_2409+1delGGAGG).
Molecular consequence: splice donor variant.
Genome position (GRCh38, 1-based): chr2:71,561,941-71,561,945, GGAGG deleted. VCF-style (leftmost placement, unchanged base first): chr2-71561940-AGGAGG-A. GRCh37 (hg19) VCF-style: chr2-71789070-AGGAGG-A.
Other names: c.2445_2448+1del (NM_001130979.2); c.2403_2406+1del (NM_001130981.2, NM_001130980.2); c.2352_2355+1del (NM_001130978.2, NM_003494.4); c.2310_2313+1del (NM_001130977.2, NM_001130976.2); c.2448_2451+1del (NM_001130982.2); c.2406_2409+1del (NM_001130985.2); c.2355_2358+1del (NM_001130983.2, NM_001130455.2); c.2313_2316+1del (NM_001130984.2, NM_001130986.2).
Identifiers: ClinVar variation 94287 (VCV000094287.6), dbSNP rs398123774, ClinGen allele CA49740952.